The following is an entry in ClinVar:

NM_001136035.4(TRMT1):c.1848C>A (p.Arg616=)

Gene: TRMT1 (tRNA methyltransferase 1; minus strand). Cytogenetic location: 19p13.13.
Variant type: single nucleotide variant.
Coding change: c.1848C>A on transcript NM_001136035.4 (MANE Select); coding-DNA position 1848, C replaced by A.
Protein change: p.Arg616=; no amino-acid change (arginine 616 retained).
Molecular consequence: synonymous variant.
Genome position (GRCh38, 1-based): chr19:13,105,067, G>T on the plus strand (C>A on the coding strand, the complement: TRMT1 is on the minus strand). VCF-style: chr19-13105067-G-T. GRCh37 (hg19) VCF-style: chr19-13215881-G-T.
Other names: c.1761C>A, p.Arg587= (NM_001142554.3, NM_001351760.2); c.1740C>A, p.Arg580= (NM_001351761.2); c.1065C>A, p.Arg355= (NM_001351762.2); c.1848C>A, p.Arg616= (NM_017722.5).
Identifiers: ClinVar variation 3778058 (VCV003778058.7).
Genomic context (GRCh38, chr19:13,105,067, plus strand): 5'-GGCAGCATCAGCAGAAACCCTGGGTGTCGGGGGGCTGTGGGAGTAGCAGCACTGGTCCCC[G>T]CGTTGACAGGTGCCCTGGTGGGAAGATGGTGGGTGTGAACCCCTGCCCGGAGCTCAGCAG-3'
Protein context (NP_001129507.1, residues 606-626): CKRFKEGTCQ[Arg616=]GDQCCYSHSP

ClinVar aggregate classification (germline): Likely benign (1 of 4 stars; one submission).

Submission:

CeGaT Center for Human Genetics Tuebingen
Classification: Likely benign. Last evaluated: 2026-04-01. Review status: criteria provided, single submitter. Criteria: CeGaT Center For Human Genetics Tuebingen Variant Classification Criteria Version 2. Collection method: clinical testing. Allele origin: germline. Affected: yes. Observed: 2 variant alleles.
Comment: TRMT1: BP4, BP7